The following is an entry in ClinVar:

NM_001429.4(EP300):c.6102C>T (p.Gly2034=)

Gene: EP300 (EP300 lysine acetyltransferase; plus strand). Cytogenetic location: 22q13.2.
Variant type: single nucleotide variant.
Coding change: c.6102C>T on transcript NM_001429.4 (MANE Select); coding-DNA position 6102, C replaced by T.
Protein change: p.Gly2034=; no amino-acid change (glycine 2034 retained).
Molecular consequence: synonymous variant.
Genome position (GRCh38, 1-based): chr22:41,177,813, C>T. VCF-style: chr22-41177813-C-T. GRCh37 (hg19) VCF-style: chr22-41573817-C-T.
Other names: c.6024C>T, p.Gly2008= (NM_001362843.2).
Identifiers: ClinVar variation 3350901 (VCV003350901.2).
Genomic context (GRCh38, chr22:41,177,813, plus strand): 5'-CATGATGTCAGTGGCCCAGCATGGTCAACCTTTGAACATGGCTCCACAACCAGGATTGGG[C>T]CAGGTAGGTATCAGCCCACTCAAACCAGGCACTGTGTCTCAACAAGCCTTACAAAACCTT-3'
Protein context (NP_001420.2, residues 2024-2044): PLNMAPQPGL[Gly2034=]QVGISPLKPG

ClinVar aggregate classification (germline): Benign. Review status: criteria provided, single submitter (1 of 4 stars). 2 submissions from 2 submitters: Benign (1). 1 of the submissions does not count toward it. Last evaluated 2025-09-17.

Conditions:
EP300-related disorder. Also called: EP300-related condition; EP300-related disorders.
Rubinstein-Taybi syndrome due to EP300 haploinsufficiency. Also called: EP300-Related Rubinstein-Taybi Syndrome; RUBINSTEIN-TAYBI SYNDROME 2. Identifiers: Orphanet 353284, Orphanet 783, MedGen C3150941, MONDO:0013364, OMIM 613684.

gnomAD v4.1: 35 of 1,613,938 alleles (0.0022%); highest among the groups gnomAD compares: Admixed American, 0.0067%; no homozygotes.

Submissions (2):

Labcorp Genetics (formerly Invitae), Labcorp
Classification: Benign for Rubinstein-Taybi syndrome due to EP300 haploinsufficiency. Last evaluated: 2025-09-17. Review status: criteria provided, single submitter. Criteria: Invitae Variant Classification Sherloc (09022015). Collection method: clinical testing. Allele origin: germline.

PreventionGenetics, part of Exact Sciences
Classification: Likely benign for EP300-related condition. Last evaluated: 2023-05-30. Review status: no assertion criteria provided. Collection method: clinical testing. Allele origin: germline. Not counted in ClinVar's aggregate classification.
Comment: This variant is classified as likely benign based on ACMG/AMP sequence variant interpretation guidelines (Richards et al. 2015 PMID: 25741868, with internal and published modifications).